The following is an entry in ClinVar:

NM_181332.3(NLGN4X):c.259C>T (p.Arg87Trp)

Gene: NLGN4X (neuroligin 4 X-linked; minus strand). Cytogenetic location: Xp22.31.
Variant type: single nucleotide variant.
Coding change: c.259C>T on transcript NM_181332.3 (MANE Select); coding-DNA position 259, C replaced by T.
Protein change: p.Arg87Trp; replaces arginine 87 with tryptophan.
Molecular consequence: missense variant.
Genome position (GRCh38, 1-based): chrX:6,151,208, G>A on the plus strand (C>T on the coding strand, the complement: NLGN4X is on the minus strand). VCF-style: chrX-6151208-G-A. GRCh37 (hg19) VCF-style: chrX-6069249-G-A.
Other names: c.259C>T, p.Arg87Trp (NM_001282145.2, NM_001282146.2, NM_020742.4); short protein forms R87W.
Identifiers: ClinVar variation 2577594 (VCV002577594.14), dbSNP rs2519421979, ClinGen allele CA412015129.

ClinVar aggregate classification (germline): Pathogenic. Review status: criteria provided, multiple submitters, no conflicts (2 of 4 stars). 2 submissions from 2 submitters: Pathogenic (2). Last evaluated 2025-01-01.

Submissions (2):

CeGaT Center for Human Genetics Tuebingen
Classification: Pathogenic. Last evaluated: 2025-01-01. Review status: criteria provided, single submitter. Criteria: CeGaT Center For Human Genetics Tuebingen Variant Classification Criteria Version 2. Collection method: clinical testing. Allele origin: germline. Affected: yes. Observed: 1 variant allele.
Comment: NLGN4X: PS3, PM2, PS2:Moderate, PP3, PS4:Supporting

GeneDx
Classification: Pathogenic. Last evaluated: 2023-08-24. Review status: criteria provided, single submitter. Criteria: GeneDx Variant Classification Process June 2021. Collection method: clinical testing. Allele origin: germline. Affected: yes.
Comment: Published functional studies demonstrate a damaging effect of protein function in cell line and cultured neurons (Zhang et al., 2009); Not observed at significant frequency in large population cohorts (gnomAD); In silico analysis supports that this missense variant has a deleterious effect on protein structure/function; This variant is associated with the following publications: (PMID: 19726642, 28948087, 32243781, 32873342)